The following is an entry in ClinVar:

NM_172107.4(KCNQ2):c.1168C>T (p.Gln390Ter)

Gene: KCNQ2 (potassium voltage-gated channel subfamily Q member 2; minus strand). Cytogenetic location: 20q13.33.
Variant type: single nucleotide variant.
Coding change: c.1168C>T on transcript NM_172107.4 (MANE Select); coding-DNA position 1168, C replaced by T.
Protein change: p.Gln390Ter; replaces glutamine 390 with a stop codon.
Molecular consequence: nonsense.
Genome position (GRCh38, 1-based): chr20:63,428,416, G>A on the plus strand (C>T on the coding strand, the complement: KCNQ2 is on the minus strand). VCF-style: chr20-63428416-G-A. GRCh37 (hg19) VCF-style: chr20-62059769-G-A.
Other names: c.1168C>T, p.Gln390Ter (NM_001382235.1, NM_172106.3, NM_172108.5); c.1138C>T, p.Gln380Ter (NM_004518.6); short protein forms Q390*, Q380*.
Identifiers: ClinVar variation 1459931 (VCV001459931.8), dbSNP rs2145637412, ClinGen allele CA409650006.

ClinVar aggregate classification (germline): Pathogenic/Likely pathogenic. Review status: criteria provided, multiple submitters, no conflicts (2 of 4 stars). 2 submissions from 2 submitters: Pathogenic (1); Likely pathogenic (1). Last evaluated 2024-10-30.

Conditions:
Developmental and epileptic encephalopathy, 7 (DEE7). Also called: KCNQ2-Related Neonatal-Onset Developmental and Epileptic Encephalopathy (NEO-DEE); Early infantile epileptic encephalopathy 7; KCNQ2-Related Neonatal Epileptic Encephalopathy. Identifiers: Orphanet 439218, MedGen C3150986, MONDO:0013387, OMIM 613720.
Early-infantile DEE. Also called: Early infantile epileptic encephalopathy; Ohtahara syndrome; Early infantile epileptic encephalopathy with suppression bursts. Identifiers: Orphanet 1934, MedGen C0393706, MONDO:0800491.

Submissions (2):

Labcorp Genetics (formerly Invitae), Labcorp
Classification: Pathogenic for Early-infantile DEE. Last evaluated: 2024-10-30. Review status: criteria provided, single submitter. Criteria: Invitae Variant Classification Sherloc (09022015). Collection method: clinical testing. Allele origin: germline.
Comment: This sequence change creates a premature translational stop signal (p.Gln390*) in the KCNQ2 gene. It is expected to result in an absent or disrupted protein product. Loss-of-function variants in KCNQ2 are known to be pathogenic (PMID: 14534157, 23692823, 27779742). This variant is not present in population databases (gnomAD no frequency). This variant has not been reported in the literature in individuals affected with KCNQ2-related conditions. ClinVar contains an entry for this variant (Variation ID: 1459931). For these reasons, this variant has been classified as Pathogenic.

3billion
Classification: Likely pathogenic for Developmental and epileptic encephalopathy, 7. Last evaluated: 2022-05-22. Review status: criteria provided, single submitter. Criteria: ACMG Guidelines, 2015. Collection method: clinical testing. Allele origin: germline. Affected: yes. Observed: 1 heterozygote.
Comment: The variant is not observed in the gnomAD v2.1.1 dataset. Stop-gained (nonsense): predicted to result in a loss or disruption of normal protein function through nonsense-mediated decay (NMD) or protein truncation. Multiple pathogenic variants are reported downstream of the variant. Therefore, this variant is classified as likely pathogenic according to the recommendation of ACMG/AMP guideline.

Literature cited by the submitters: PubMed 14534157 (cited by Labcorp Genetics (formerly Invitae), Labcorp); PubMed 23692823 (cited by Labcorp Genetics (formerly Invitae), Labcorp); PubMed 27779742 (cited by Labcorp Genetics (formerly Invitae), Labcorp).